The following is an entry in ClinVar:

NM_018297.4(NGLY1):c.490dup (p.Thr164fs)

Gene: NGLY1 (N-glycanase 1; minus strand). Cytogenetic location: 3p24.2.
Variant type: Duplication.
Coding change: c.490dup on transcript NM_018297.4 (MANE Select); coding-DNA position 490, one base duplicated (A; older notation c.490dupA).
Protein change: p.Thr164fs; shifts the reading frame from threonine 164.
Molecular consequence: frameshift variant.
Genome position (GRCh38, 1-based): chr3:25,764,068, T duplicated on the plus strand (A on the coding strand, the reverse complement: NGLY1 is on the minus strand); the first of 2 consecutive T bases (chr3:25,764,068-25,764,069); duplicating either gives the same sequence. VCF-style (leftmost placement, unchanged base first): chr3-25764067-G-GT. GRCh37 (hg19) VCF-style: chr3-25805558-G-GT.
Other names: c.490dup, p.Thr164fs (NM_001145293.2, NM_001145295.2); c.364dup, p.Thr122fs (NM_001145294.2); short protein forms T122fs, T164fs.
Identifiers: ClinVar variation 1705659 (VCV001705659.2), dbSNP rs2470672967, ClinGen allele CA2580069212.

ClinVar aggregate classification (germline): Pathogenic (1 of 4 stars; one submission).

Conditions:
Congenital disorder of deglycosylation 1. Also called: NGLY1-deficiency; NGLY1-Related Congenital Disorder of Deglycosylation. Identifiers: Orphanet 404454, MedGen CN306977, MONDO:0800044, OMIM 615273.

Submission:

3billion
Classification: Pathogenic for Congenital disorder of deglycosylation 1. Last evaluated: 2026-01-13. Review status: criteria provided, single submitter. Criteria: ACMG Guidelines, 2015. Collection method: clinical testing. Allele origin: germline. Affected: yes.
Comment: The variant is not observed in the gnomAD v4.1.0 dataset. Predicted Consequence/Location: Frameshift: predicted to result in a loss or disruption of normal protein function through nonsense-mediated decay (NMD) or protein truncation. Multiple pathogenic variants are reported downstream of the variant. The variant has been reported to be associated with NGLY1-related disorder (ClinVar ID: VCV001705659 /3billion dataset). Therefore, this variant is classified as Pathogenic according to the recommendation of ACMG/AMP guideline.